The following is an entry in ClinVar:

NM_018344.6(SLC29A3):c.1121C>T (p.Pro374Leu)

Gene: SLC29A3 (solute carrier family 29 member 3; plus strand). Cytogenetic location: 10q22.1.
Variant type: single nucleotide variant.
Coding change: c.1121C>T on transcript NM_018344.6 (MANE Select); coding-DNA position 1121, C replaced by T.
Protein change: p.Pro374Leu; replaces proline 374 with leucine.
Molecular consequence: missense variant. On other transcripts: 3 prime UTR variant (1), non-coding transcript variant (2).
Genome position (GRCh38, 1-based): chr10:71,362,301, C>T. VCF-style: chr10-71362301-C-T. GRCh37 (hg19) VCF-style: chr10-73122058-C-T.
Other names: c.*350C>T (NM_001174098.2); c.887C>T, p.Pro296Leu (NM_001363518.2); short protein forms P296L, P374L.
Identifiers: ClinVar variation 998922 (VCV000998922.8), dbSNP rs1847082074, ClinGen allele CA377116760.

ClinVar aggregate classification (germline): Uncertain significance (1 of 4 stars; one submission).

Conditions:
H syndrome. Also called: HISTIOCYTOSIS AND LYMPHADENOPATHY WITH OR WITHOUT CUTANEOUS, CARDIAC, AND/OR ENDOCRINE FEATURES, JOINT CONTRACTURES, AND/OR DEAFNESS; HYPERPIGMENTATION, CUTANEOUS, WITH HYPERTRICHOSIS, HEPATOSPLENOMEGALY, HEART ANOMALIES, AND HYPOGONADISM WITH OR WITHOUT HEARING LOSS; PIGMENTED HYPERTRICHOSIS WITH INSULIN-DEPENDENT DIABETES MELLITUS; ROSAI-DORFMAN DISEASE, FAMILIAL; SINUS HISTIOCYTOSIS AND MASSIVE LYMPHADENOPATHY; Hyperpigmentation, Cutaneous, with Hypertrichosis, Hepatosplenomegaly, Heart Anomalies, Hearing Loss, and Hypogonadism. Identifiers: Orphanet 168569, MedGen C1864445, MONDO:0011273, OMIM 602782.

Allele frequency attached by ClinVar (database versions not stated): gnomAD exomes 0.00001.
gnomAD v4.1: 5 of 1,614,146 alleles (0.00031%); highest among the groups gnomAD compares: Non-Finnish European, 0.00042%; no homozygotes.

Submission:

Labcorp Genetics (formerly Invitae), Labcorp
Classification: Uncertain significance for H syndrome. Last evaluated: 2020-09-25. Review status: criteria provided, single submitter. Criteria: Invitae Variant Classification Sherloc (09022015). Collection method: clinical testing. Allele origin: germline.
Comment: In summary, the available evidence is currently insufficient to determine the role of this variant in disease. Therefore, it has been classified as a Variant of Uncertain Significance. Algorithms developed to predict the effect of missense changes on protein structure and function are either unavailable or do not agree on the potential impact of this missense change (SIFT: "Deleterious"; PolyPhen-2: "Probably Damaging"; Align-GVGD: "Class C0"). This variant has not been reported in the literature in individuals with SLC29A3-related conditions. This variant is not present in population databases (ExAC no frequency). This sequence change replaces proline with leucine at codon 374 of the SLC29A3 protein (p.Pro374Leu). The proline residue is highly conserved and there is a moderate physicochemical difference between proline and leucine.